The following is an entry in ClinVar:

ClinVar aggregate classification (germline): Uncertain significance (1 of 4 stars; one submission).

Conditions:
Familial thoracic aortic aneurysm and aortic dissection (TAAD). Also called: Thoracic aortic aneurysms and dissections. Identifiers: Orphanet 91387, MedGen C4707243, MONDO:0019625.

Submission:

Color Diagnostics, LLC DBA Color Health
Classification: Uncertain significance for Familial thoracic aortic aneurysm and aortic dissection. Last evaluated: 2023-12-05. Review status: criteria provided, single submitter. Criteria: ACMG Guidelines, 2015. Collection method: clinical testing. Allele origin: germline.
Comment: Variant of Uncertain Significance due to insufficient evidence: This missense variant is located in the calcium-binding EGF-like motif 12 of the FBN1 protein. Computational prediction tools and conservation analyses suggest that this variant may have deleterious impact on the protein function. Computational splicing tools suggest that this variant may not impact RNA splicing. To our knowledge, functional assays have not been performed for this variant nor has this variant been reported in individuals affected with cardiovascular disorders in the literature. This variant is rare in the general population and has been identified in 0/277264 chromosomes by the Genome Aggregation Database (gnomAD). Available evidence is insufficient to determine the pathogenicity of this variant conclusively.

NM_000138.5(FBN1):c.2399C>G (p.Pro800Arg)

Gene: FBN1 (fibrillin 1; minus strand). Cytogenetic location: 15q21.1.
Variant type: single nucleotide variant.
Coding change: c.2399C>G on transcript NM_000138.5 (MANE Select); coding-DNA position 2399, C replaced by G.
Protein change: p.Pro800Arg; replaces proline 800 with arginine.
Molecular consequence: missense variant.
Genome position (GRCh38, 1-based): chr15:48,496,120, G>C on the plus strand (C>G on the coding strand, the complement: FBN1 is on the minus strand). VCF-style: chr15-48496120-G-C. GRCh37 (hg19) VCF-style: chr15-48788317-G-C.
Other names: short protein forms P800R.
Identifiers: ClinVar variation 924160 (VCV000924160.5), dbSNP rs2043606468, ClinGen allele CA392335211.